The following is an entry in ClinVar:

ClinVar aggregate classification (germline): Likely benign. Review status: criteria provided, multiple submitters, no conflicts (2 of 4 stars). 3 submissions from 3 submitters: Likely benign (3). Last evaluated 2025-12-01.

Conditions:
Fanconi anemia (FA). Also called: Fanconi's anemia. Identifiers: Orphanet 84, MedGen C0015625, MeSH D005199, MONDO:0019391.
Inborn genetic diseases. Identifiers: MedGen C0950123, MeSH D030342.

Allele frequency attached by ClinVar (database versions not stated): gnomAD exomes below 0.00001; TOPMed below 0.00001; gnomAD 0.00001.

Submissions (3):

CeGaT Center for Human Genetics Tuebingen
Classification: Likely benign. Last evaluated: 2025-12-01. Review status: criteria provided, single submitter. Criteria: CeGaT Center For Human Genetics Tuebingen Variant Classification Criteria Version 2. Collection method: clinical testing. Allele origin: germline. Affected: yes. Observed: 1 variant allele.
Comment: FANCG: BP4, BP7

Ambry Genetics
Classification: Likely benign for Inborn genetic diseases. Last evaluated: 2025-03-16. Review status: criteria provided, single submitter. Criteria: Ambry Variant Classification Scheme 2023. Collection method: clinical testing. Allele origin: germline.

Labcorp Genetics (formerly Invitae), Labcorp
Classification: Likely benign for Fanconi anemia. Last evaluated: 2022-11-15. Review status: criteria provided, single submitter. Criteria: Invitae Variant Classification Sherloc (09022015). Collection method: clinical testing. Allele origin: germline.

NM_004629.2(FANCG):c.1497T>C (p.Cys499=)

Gene: FANCG (FA complementation group G; minus strand). Cytogenetic location: 9p13.3.
Variant type: single nucleotide variant.
Coding change: c.1497T>C on transcript NM_004629.2 (MANE Select); coding-DNA position 1497, T replaced by C.
Protein change: p.Cys499=; no amino-acid change (cysteine 499 retained).
Molecular consequence: synonymous variant.
Genome position (GRCh38, 1-based): chr9:35,075,066, A>G on the plus strand (T>C on the coding strand, the complement: FANCG is on the minus strand). VCF-style: chr9-35075066-A-G. GRCh37 (hg19) VCF-style: chr9-35075063-A-G.
Other names: c.1497T>C (NM_004629.1).
Identifiers: ClinVar variation 1106645 (VCV001106645.15), dbSNP rs1340517333, ClinGen allele CA464413112.